The following is an entry in ClinVar:

ClinVar aggregate classification (germline): Likely pathogenic. Review status: criteria provided, single submitter (1 of 4 stars). 2 submissions from 2 submitters: Likely pathogenic (1). 1 of the submissions does not count toward it. Last evaluated 2023-02-13.

Conditions:
Platelet-type bleeding disorder 10. Also called: CD36 DEFICIENCY. Identifiers: MedGen C1842090, MONDO:0012031, OMIM 608404.
CD36-related disorder. Also called: CD36-related condition; CD36-related disorders.

Allele frequency attached by ClinVar (database versions not stated): TOPMed 0.00002.

Submissions (2):

Department of Pathology and Laboratory Medicine, Sinai Health System
Classification: Likely pathogenic for Platelet-type bleeding disorder 10. Last evaluated: 2023-02-13. Review status: criteria provided, single submitter. Criteria: ACMG Guidelines, 2015. Collection method: research. Allele origin: germline.

PreventionGenetics, part of Exact Sciences
Classification: Likely pathogenic for CD36-related condition. Last evaluated: 2024-02-14. Review status: no assertion criteria provided. Collection method: clinical testing. Allele origin: germline. Not counted in ClinVar's aggregate classification.
Comment: The CD36 c.378_381dupATCA variant is predicted to result in a frameshift and premature protein termination (p.Val128Ilefs*7). To our knowledge, this variant has not been reported in the literature. This variant is reported in 0.012% of alleles in individuals of African descent in gnomAD. Frameshift variants in CD36 are expected to be pathogenic. This variant is interpreted as likely pathogenic.

NM_001001548.3(CD36):c.378_381dup (p.Val128fs)

Gene: CD36 (CD36 molecule (CD36 blood group); plus strand). Cytogenetic location: 7q21.11.
Variant type: Duplication.
Coding change: c.378_381dup on transcript NM_001001548.3 (MANE Select); coding-DNA positions 378 to 381, 4 bases duplicated (ATCA; older notation c.378_381dupATCA).
Protein change: p.Val128fs; shifts the reading frame from valine 128.
Molecular consequence: frameshift variant. On other transcripts: 5 prime UTR variant (2), non-coding transcript variant (1).
Genome position (GRCh38, 1-based): chr7:80,661,159-80,661,162, ATCA duplicated. VCF-style (leftmost placement, unchanged base first): chr7-80661158-T-TATCA. GRCh37 (hg19) VCF-style: chr7-80290474-T-TATCA.
Other names: c.378_381dup, p.Val128fs (NM_000072.3, NM_001001547.3, NM_001127443.2 and 7 more transcripts); c.150_153dup, p.Val52fs (NM_001289911.2); c.276_279dup, p.Val94fs (NM_001371079.1); c.-88_-85dup (NM_001371080.1); c.-105_-102dup (NM_001371081.1); short protein forms V128fs, V52fs, V94fs.
Identifiers: ClinVar variation 3029091 (VCV003029091.3), dbSNP rs753791074, ClinGen allele CA4315135.
Genomic context (GRCh38, chr7:80,661,158, plus strand): 5'-ACGCTGAGGACAACACAGTCTCTTTCCTGCAGCCCAATGGTGCCATCTTCGAACCTTCAC[T>TATCA]ATCAGTTGGAACAGAGGCTGACAACTTCACAGTTCTCAATCTGGCTGTGGCAGTGAGTAG-3'